The following is an entry in ClinVar:

NM_018163.3(DNAJC17):c.17A>C (p.Glu6Ala)

Genes: DNAJC17 (DnaJ heat shock protein family (Hsp40) member C17; minus strand), ZFYVE19 (zinc finger FYVE-type containing 19; plus strand), LOC130056871 (ATAC-STARR-seq lymphoblastoid active region 9265; plus strand). Cytogenetic location: 15q15.1.
Variant type: single nucleotide variant.
Coding change: c.17A>C on transcript NM_018163.3 (MANE Select); coding-DNA position 17, A replaced by C.
Protein change: p.Glu6Ala; replaces glutamic acid 6 with alanine.
Molecular consequence: missense variant. On other transcripts: 5 prime UTR variant (3), intron variant (1).
Genome position (GRCh38, 1-based): chr15:40,807,430, T>G on the plus strand (A>C on the coding strand, the complement: DNAJC17 is on the minus strand). VCF-style: chr15-40807430-T-G. GRCh37 (hg19) VCF-style: chr15-41099628-T-G.
Other names: c.-160T>G (NM_001077268.2, NM_001258420.2); c.-488T>G (NM_001258421.2); c.125+17T>G (NM_032850.5); short protein forms E6A.
Identifiers: ClinVar variation 2040357 (VCV002040357.4), dbSNP rs747747573, ClinGen allele CA7485381.

ClinVar aggregate classification (germline): Uncertain significance (1 of 4 stars; one submission).

Allele frequency attached by ClinVar (database versions not stated): gnomAD exomes below 0.00001; ExAC 0.00001.
gnomAD v4.1: 1 of 1,614,252 alleles (0.000062%); highest among the groups gnomAD compares: South Asian, 0.0011%; no homozygotes.

Submission:

Labcorp Genetics (formerly Invitae), Labcorp
Classification: Uncertain significance. Last evaluated: 2022-01-11. Review status: criteria provided, single submitter. Criteria: Invitae Variant Classification Sherloc (09022015). Collection method: clinical testing. Allele origin: germline.
Comment: This sequence change replaces glutamic acid, which is acidic and polar, with alanine, which is neutral and non-polar, at codon 6 of the DNAJC17 protein (p.Glu6Ala). This variant is present in population databases (rs747747573, gnomAD 0.003%). This variant has not been reported in the literature in individuals affected with DNAJC17-related conditions. Algorithms developed to predict the effect of missense changes on protein structure and function are either unavailable or do not agree on the potential impact of this missense change (SIFT: "Tolerated"; PolyPhen-2: "Possibly Damaging"; Align-GVGD: "Class C0"). In summary, the available evidence is currently insufficient to determine the role of this variant in disease. Therefore, it has been classified as a Variant of Uncertain Significance.